The following is an entry in ClinVar:

NM_021008.4(DEAF1):c.1526G>A (p.Arg509Gln)

Gene: DEAF1 (DEAF1 transcription factor; minus strand). Cytogenetic location: 11p15.5.
Variant type: single nucleotide variant.
Coding change: c.1526G>A on transcript NM_021008.4 (MANE Select); coding-DNA position 1526, G replaced by A.
Protein change: p.Arg509Gln; replaces arginine 509 with glutamine.
Molecular consequence: missense variant.
Genome position (GRCh38, 1-based): chr11:654,029, C>T on the plus strand (G>A on the coding strand, the complement: DEAF1 is on the minus strand). VCF-style: chr11-654029-C-T. GRCh37 (hg19) VCF-style: chr11-654029-C-T.
Other names: c.1301G>A, p.Arg434Gln (NM_001293634.2); c.800G>A, p.Arg267Gln (NM_001367390.1); short protein forms R509Q, R267Q, R434Q.
Identifiers: ClinVar variation 161743 (VCV000161743.6), dbSNP rs193920740, ClinGen allele CA174705.

ClinVar aggregate classification (germline): Uncertain significance. Review status: criteria provided, multiple submitters, no conflicts (2 of 4 stars). 3 submissions from 3 submitters: Uncertain significance (2). 1 of the submissions does not count toward it. Last evaluated 2025-11-19.

Conditions:
Inborn genetic diseases. Identifiers: MedGen C0950123, MeSH D030342.
Prostate cancer. Also called: Malignant tumor of prostate. Identifiers: Orphanet 1331, MedGen C0376358, MONDO:0008315, HP:0012125.

Allele frequency attached by ClinVar (database versions not stated): TOPMed 0.00002; ExAC 0.00003; gnomAD 0.00004; gnomAD exomes 0.00005 and 0.00003.
gnomAD v4.1: 79 of 1,613,564 alleles (0.0049%); highest among the groups gnomAD compares: African/African-American, 0.0094%; no homozygotes.

Submissions (3):

Ambry Genetics
Classification: Uncertain significance for Inborn genetic diseases. Last evaluated: 2025-11-19. Review status: criteria provided, single submitter. Criteria: Ambry Variant Classification Scheme 2023. Collection method: clinical testing. Allele origin: germline.

Labcorp Genetics (formerly Invitae), Labcorp
Classification: Uncertain significance. Last evaluated: 2024-10-31. Review status: criteria provided, single submitter. Criteria: Invitae Variant Classification Sherloc (09022015). Collection method: clinical testing. Allele origin: germline.
Comment: This sequence change replaces arginine, which is basic and polar, with glutamine, which is neutral and polar, at codon 509 of the DEAF1 protein (p.Arg509Gln). This variant is present in population databases (rs193920740, gnomAD 0.02%). This variant has not been reported in the literature in individuals affected with DEAF1-related conditions. ClinVar contains an entry for this variant (Variation ID: 161743). Invitae Evidence Modeling of protein sequence and biophysical properties (such as structural, functional, and spatial information, amino acid conservation, physicochemical variation, residue mobility, and thermodynamic stability) indicates that this missense variant is expected to disrupt DEAF1 protein function with a positive predictive value of 80%. In summary, the available evidence is currently insufficient to determine the role of this variant in disease. Therefore, it has been classified as a Variant of Uncertain Significance.

Science for Life laboratory,  Karolinska Institutet
Classification: Uncertain significance for Malignant tumor of prostate. Review status: no assertion criteria provided. Collection method: not provided. Allele origin: somatic. Not counted in ClinVar's aggregate classification.
Comment: TumorID:SWE-1
ClinVar note: Converted during submission from Unknown to Uncertain significance.